The following is an entry in ClinVar:

ClinVar aggregate classification (germline): Uncertain significance (1 of 4 stars; one submission).

Allele frequency attached by ClinVar (database versions not stated): gnomAD exomes below 0.00001.
gnomAD v4.1: 4 of 1,613,846 alleles (0.00025%); highest among the groups gnomAD compares: African/African-American, 0.0053%; no homozygotes.

Submission:

Labcorp Genetics (formerly Invitae), Labcorp
Classification: Uncertain significance. Last evaluated: 2023-09-11. Review status: criteria provided, single submitter. Criteria: Invitae Variant Classification Sherloc (09022015). Collection method: clinical testing. Allele origin: germline.
Comment: In summary, the available evidence is currently insufficient to determine the role of this variant in disease. Therefore, it has been classified as a Variant of Uncertain Significance. Advanced modeling of protein sequence and biophysical properties (such as structural, functional, and spatial information, amino acid conservation, physicochemical variation, residue mobility, and thermodynamic stability) performed at Invitae indicates that this missense variant is not expected to disrupt FAT4 protein function. This variant has not been reported in the literature in individuals affected with FAT4-related conditions. This variant is not present in population databases (gnomAD no frequency). This sequence change replaces proline, which is neutral and non-polar, with threonine, which is neutral and polar, at codon 1417 of the FAT4 protein (p.Pro1417Thr).

NM_001291303.3(FAT4):c.4249C>A (p.Pro1417Thr)

Gene: FAT4 (FAT atypical cadherin 4; plus strand). Cytogenetic location: 4q28.1.
Variant type: single nucleotide variant.
Coding change: c.4249C>A on transcript NM_001291303.3 (MANE Select); coding-DNA position 4249, C replaced by A.
Protein change: p.Pro1417Thr; replaces proline 1417 with threonine.
Molecular consequence: missense variant.
Genome position (GRCh38, 1-based): chr4:125,320,660, C>A. VCF-style: chr4-125320660-C-A. GRCh37 (hg19) VCF-style: chr4-126241815-C-A.
Other names: c.4249C>A, p.Pro1417Thr (NM_001291285.3, NM_024582.6); short protein forms P1417T.
Identifiers: ClinVar variation 2755383 (VCV002755383.3), dbSNP rs2530449768, ClinGen allele CA358126006.